The following is an entry in ClinVar:

ClinVar aggregate classification (germline): Uncertain significance (1 of 4 stars; one submission).

Conditions:
Saldino-Mainzer syndrome (SRTD9). Also called: CONORENAL SYNDROME; Renal dysplasia, retinal pigmentary dystrophy, cerebellar ataxia and skeletal dysplasia; SHORT-RIB THORACIC DYSPLASIA 9 WITHOUT POLYDACTYLY; short-rib thoracic dysplasia 9 with or without polydactyly. Identifiers: Orphanet 140969, MedGen C1849437, MONDO:0009964, OMIM 266920.

gnomAD v4.1: 1 of 1,609,322 alleles (0.000062%); highest among the groups gnomAD compares: Non-Finnish European, 0.000085%; no homozygotes.

Submission:

Labcorp Genetics (formerly Invitae), Labcorp
Classification: Uncertain significance for Saldino-Mainzer syndrome. Last evaluated: 2025-08-23. Review status: criteria provided, single submitter. Criteria: Invitae Variant Classification Sherloc (09022015). Collection method: clinical testing. Allele origin: germline.
Comment: This sequence change replaces glycine, which is neutral and non-polar, with arginine, which is basic and polar, at codon 825 of the IFT140 protein (p.Gly825Arg). This variant is not present in population databases (gnomAD no frequency). This variant has not been reported in the literature in individuals affected with IFT140-related conditions. Invitae Evidence Modeling of protein sequence and biophysical properties (such as structural, functional, and spatial information, amino acid conservation, physicochemical variation, residue mobility, and thermodynamic stability) has been performed for this missense variant. However, the output from this modeling did not meet the statistical confidence thresholds required to predict the impact of this variant on IFT140 protein function. In summary, the available evidence is currently insufficient to determine the role of this variant in disease. Therefore, it has been classified as a Variant of Uncertain Significance.

NM_014714.4(IFT140):c.2473G>A (p.Gly825Arg)

Gene: IFT140 (intraflagellar transport 140; minus strand). Cytogenetic location: 16p13.3.
Variant type: single nucleotide variant.
Coding change: c.2473G>A on transcript NM_014714.4 (MANE Select); coding-DNA position 2473, G replaced by A.
Protein change: p.Gly825Arg; replaces glycine 825 with arginine.
Molecular consequence: missense variant.
Genome position (GRCh38, 1-based): chr16:1,526,723, C>T on the plus strand (G>A on the coding strand, the complement: IFT140 is on the minus strand). VCF-style: chr16-1526723-C-T. GRCh37 (hg19) VCF-style: chr16-1576724-C-T.
Other names: short protein forms G825R.
Identifiers: ClinVar variation 4704112 (VCV004704112.1).